The following is an entry in ClinVar:

NC_000019.9:g.(?_4090596)_(4090726_?)del

Gene: MAP2K2 (mitogen-activated protein kinase kinase 2; minus strand). Cytogenetic location: 19p13.3.
Variant type: Deletion.
Identifiers: ClinVar variation 1476500 (VCV001476500.4).

ClinVar aggregate classification (germline): Uncertain significance (1 of 4 stars; one submission).

Conditions:
RASopathy. Also called: rasopathies; Noonan spectrum disorder. Identifiers: Orphanet 536391, MedGen C5555857, MONDO:0021060.

Submission:

Labcorp Genetics (formerly Invitae), Labcorp
Classification: Uncertain significance for RASopathy. Last evaluated: 2021-08-06. Review status: criteria provided, single submitter. Criteria: Invitae Variant Classification Sherloc (09022015). Collection method: clinical testing. Allele origin: germline.
Comment: This variant is a gross deletion of the genomic region encompassing exon(s) 11 of the MAP2K2 gene, which includes the termination codon. This deletion extends beyond the assayed region for this gene and therefore may encompass additional genes. While this deletion is not anticipated to lead to nonsense mediated decay, it is expected to alter mRNA translation or result in a truncated protein product. This variant has not been reported in the literature in individuals affected with MAP2K2-related conditions. In summary, the available evidence is currently insufficient to determine the role of this variant in disease. Therefore, it has been classified as a Variant of Uncertain Significance.